The following is an entry in ClinVar:

NM_016327.3(UPB1):c.53C>T (p.Pro18Leu)

Gene: UPB1 (beta-ureidopropionase 1; plus strand). Cytogenetic location: 22q11.23.
Variant type: single nucleotide variant.
Coding change: c.53C>T on transcript NM_016327.3 (MANE Select); coding-DNA position 53, C replaced by T.
Protein change: p.Pro18Leu; replaces proline 18 with leucine.
Molecular consequence: missense variant.
Genome position (GRCh38, 1-based): chr22:24,495,456, C>T. VCF-style: chr22-24495456-C-T. GRCh37 (hg19) VCF-style: chr22-24891424-C-T.
Other names: short protein forms P18L.
Identifiers: ClinVar variation 3905437 (VCV003905437.10).
Genomic context (GRCh38, chr22:24,495,456, plus strand): 5'-CCGTGGCCATGGCGGGCGCTGAGTGGAAGTCGCTGGAGGAATGCTTGGAGAAGCACCTGC[C>T]GCTCCCCGACTTGCAGGAAGTGAAGCGCGTTCTCTATGGCAAGGAACTCAGGTCCGCAGC-3'
Protein context (NP_057411.1, residues 8-28): SLEECLEKHL[Pro18Leu]LPDLQEVKRV

ClinVar aggregate classification (germline): Uncertain significance (1 of 4 stars; one submission).

Submission:

CeGaT Center for Human Genetics Tuebingen
Classification: Uncertain significance. Last evaluated: 2025-06-01. Review status: criteria provided, single submitter. Criteria: CeGaT Center For Human Genetics Tuebingen Variant Classification Criteria Version 2. Collection method: clinical testing. Allele origin: germline. Affected: yes. Observed: 1 variant allele.
Comment: UPB1: PM2, PM3:Supporting, PP4, PS3:Supporting, BP4